The following is an entry in ClinVar:

ClinVar aggregate classification (germline): Uncertain significance (1 of 4 stars; one submission).

Allele frequency attached by ClinVar (database versions not stated): gnomAD exomes 0.00001; ExAC 0.00002.
gnomAD v4.1: 10 of 1,613,614 alleles (0.00062%); highest among the groups gnomAD compares: South Asian, 0.011%; no homozygotes.

Submission:

Labcorp Genetics (formerly Invitae), Labcorp
Classification: Uncertain significance. Last evaluated: 2022-08-30. Review status: criteria provided, single submitter. Criteria: Invitae Variant Classification Sherloc (09022015). Collection method: clinical testing. Allele origin: germline.
Comment: This sequence change replaces lysine, which is basic and polar, with arginine, which is basic and polar, at codon 662 of the PCLO protein (p.Lys662Arg). This variant is present in population databases (rs758863814, gnomAD 0.007%). In summary, the available evidence is currently insufficient to determine the role of this variant in disease. Therefore, it has been classified as a Variant of Uncertain Significance. Algorithms developed to predict the effect of missense changes on protein structure and function are either unavailable or do not agree on the potential impact of this missense change (SIFT: "Tolerated"; PolyPhen-2: "Not Available"; Align-GVGD: "Class C0"). This variant has not been reported in the literature in individuals affected with PCLO-related conditions.

NM_033026.6(PCLO):c.1985A>G (p.Lys662Arg)

Gene: PCLO (piccolo presynaptic cytomatrix protein; minus strand). Cytogenetic location: 7q21.11.
Variant type: single nucleotide variant.
Coding change: c.1985A>G on transcript NM_033026.6 (MANE Select); coding-DNA position 1985, A replaced by G.
Protein change: p.Lys662Arg; replaces lysine 662 with arginine.
Molecular consequence: missense variant.
Genome position (GRCh38, 1-based): chr7:83,135,565, T>C on the plus strand (A>G on the coding strand, the complement: PCLO is on the minus strand). VCF-style: chr7-83135565-T-C. GRCh37 (hg19) VCF-style: chr7-82764881-T-C.
Other names: c.1985A>G, p.Lys662Arg (NM_014510.3); short protein forms K662R.
Identifiers: ClinVar variation 1718391 (VCV001718391.5), dbSNP rs758863814, ClinGen allele CA4321334.
Genomic context (GRCh38, chr7:83,135,565, plus strand): 5'-GTCTGCTGTGGCTGTGGGGATGATTTGCTCACTGCTGATGTAGTGGTAACAGGTGCAGTC[T>C]TCAGTTTGGGCTGGGGTGATGACGGAACTGGAGCCAGATCCCCGCCTAGAGCTCTTTTCA-3'
Protein context (NP_149015.2, residues 652-672): PVPSSPQPKL[Lys662Arg]TAPVTTTSAV